The following is an entry in ClinVar:

ClinVar aggregate classification (germline): Uncertain significance (1 of 4 stars; one submission).

Submission:

Labcorp Genetics (formerly Invitae), Labcorp
Classification: Uncertain significance. Last evaluated: 2022-05-16. Review status: criteria provided, single submitter. Criteria: Invitae Variant Classification Sherloc (09022015). Collection method: clinical testing. Allele origin: germline.
Comment: This variant results in a copy number gain of the genomic region encompassing exon(s) 13-52 of the NBAS gene. This region includes the termination codon of the gene. This copy number gain extends beyond the assayed region for this gene and therefore may encompass additional genes. As the precise location of this event is unknown, it may be in tandem or it may be located elsewhere in the genome. This variant has not been reported in the literature in individuals affected with NBAS-related conditions. Experimental studies and prediction algorithms are not available or were not evaluated, and the functional significance of this variant is currently unknown. In summary, the available evidence is currently insufficient to determine the role of this variant in disease. Therefore, it has been classified as a Variant of Uncertain Significance.

NC_000002.11:g.(?_15307172)_(15618433_?)dup

Gene: NBAS (NBAS subunit of NRZ tethering complex; minus strand). Cytogenetic location: 2p24.3.
Variant type: Duplication.
Identifiers: ClinVar variation 2426233 (VCV002426233.4).